The following is an entry in ClinVar:

ClinVar aggregate classification (germline): Uncertain significance (1 of 4 stars; one submission).

gnomAD v4.1: 3 of 1,613,734 alleles (0.00019%); highest among the groups gnomAD compares: Non-Finnish European, 0.00025%; no homozygotes.

Submission:

Labcorp Genetics (formerly Invitae), Labcorp
Classification: Uncertain significance. Last evaluated: 2023-07-18. Review status: criteria provided, single submitter. Criteria: Invitae Variant Classification Sherloc (09022015). Collection method: clinical testing. Allele origin: germline.
Comment: This sequence change replaces asparagine, which is neutral and polar, with histidine, which is basic and polar, at codon 840 of the TOP2B protein (p.Asn840His). This variant is present in population databases (rs373490528, gnomAD 0.002%). This variant has not been reported in the literature in individuals affected with TOP2B-related conditions. An algorithm developed to predict the effect of missense changes on protein structure and function (PolyPhen-2) suggests that this variant is likely to be tolerated. In summary, the available evidence is currently insufficient to determine the role of this variant in disease. Therefore, it has been classified as a Variant of Uncertain Significance.

NM_001330700.2(TOP2B):c.2533A>C (p.Asn845His)

Gene: TOP2B (DNA topoisomerase II beta; minus strand). Cytogenetic location: 3p24.2.
Variant type: single nucleotide variant.
Coding change: c.2533A>C on transcript NM_001330700.2 (MANE Select); coding-DNA position 2533, A replaced by C.
Protein change: p.Asn845His; replaces asparagine 845 with histidine.
Molecular consequence: missense variant.
Genome position (GRCh38, 1-based): chr3:25,623,709, T>G on the plus strand (A>C on the coding strand, the complement: TOP2B is on the minus strand). VCF-style: chr3-25623709-T-G. GRCh37 (hg19) VCF-style: chr3-25665200-T-G.
Other names: c.2518A>C, p.Asn840His (NM_001068.3); short protein forms N840H, N845H.
Identifiers: ClinVar variation 2779058 (VCV002779058.3), dbSNP rs373490528, ClinGen allele CA2288468.